The following is an entry in ClinVar:

ClinVar aggregate classification (germline): Uncertain significance (1 of 4 stars; one submission).

Conditions:
Tessadori-Van Haaften neurodevelopmental syndrome 3 (TEBIVANED3). Identifiers: MedGen C5774310, MONDO:0030993, OMIM 619950.

Submission:

3billion
Classification: Uncertain significance for Tessadori-Van Haaften neurodevelopmental syndrome 3. Last evaluated: 2024-08-02. Review status: criteria provided, single submitter. Criteria: ACMG Guidelines, 2015. Collection method: clinical testing. Allele origin: germline. Affected: yes.
Comment: The variant is not observed in the gnomAD v4.0.0 dataset. Predicted Consequence/Location: Missense changes are a common disease-causing mechanism. In silico tool predictions suggest damaging effect of the variant on gene or gene product [REVEL: 0.65 (>=0.6, sensitivity 0.68 and specificity 0.92); 3Cnet: 0.77 (>=0.6, sensitivity 0.72 and precision 0.9)]. Therefore, this variant is classified as VUS according to the recommendation of ACMG/AMP guideline.

NM_003545.4(H4C5):c.185T>G (p.Phe62Cys)

Gene: H4C5 (H4 clustered histone 5; plus strand). Cytogenetic location: 6p22.2.
Variant type: single nucleotide variant.
Coding change: c.185T>G on transcript NM_003545.4 (MANE Select); coding-DNA position 185, T replaced by G.
Protein change: p.Phe62Cys; replaces phenylalanine 62 with cysteine.
Molecular consequence: missense variant.
Genome position (GRCh38, 1-based): chr6:26,204,829, T>G. VCF-style: chr6-26204829-T-G. GRCh37 (hg19) VCF-style: chr6-26205057-T-G.
Other names: short protein forms F62C.
Identifiers: ClinVar variation 4292644 (VCV004292644.1).